The following is an entry in ClinVar:

NM_016604.4(KDM3B):c.4666A>G (p.Thr1556Ala)

Gene: KDM3B (lysine demethylase 3B; plus strand). Cytogenetic location: 5q31.2.
Variant type: single nucleotide variant.
Coding change: c.4666A>G on transcript NM_016604.4 (MANE Select); coding-DNA position 4666, A replaced by G.
Protein change: p.Thr1556Ala; replaces threonine 1556 with alanine.
Molecular consequence: missense variant.
Genome position (GRCh38, 1-based): chr5:138,427,999, A>G. VCF-style: chr5-138427999-A-G. GRCh37 (hg19) VCF-style: chr5-137763688-A-G.
Other names: short protein forms T1556A.
Identifiers: ClinVar variation 3382323 (VCV003382323.2).
Genomic context (GRCh38, chr5:138,427,999, plus strand): 5'-ACCTTGCATATTTTCCTTTCTCCTTTAGGGTTGATAACAGCAGAAGATAGAAGAGTTGGT[A>G]CAACAAATCTTCACTTAGATGTGTCTGATGCTGTTAATGTGATGGTGTATGTTGGGATTC-3'
Protein context (NP_057688.3, residues 1546-1566): LITAEDRRVG[Thr1556Ala]TNLHLDVSDA

ClinVar aggregate classification (germline): Uncertain significance (1 of 4 stars; one submission).

Conditions:
Diets-Jongmans syndrome. Also called: INTELLECTUAL DEVELOPMENTAL DISORDER WITH DISTINCTIVE FACIAL DYSMORPHISM. Identifiers: MedGen C5394263, MONDO:0030012, OMIM 618846.

Submission:

Juno Genomics, Hangzhou Juno Genomics, Inc
Classification: Uncertain significance for Diets-Jongmans syndrome. Review status: criteria provided, single submitter. Criteria: ACMG Guidelines, 2015. Collection method: clinical testing. Allele origin: germline. Affected: yes.
Comment: Absent from controls (or at extremely low frequency if recessive) in Genome Aggregation Database, Exome Sequencing Project, 1000 Genomes Project, or Exome Aggregation Consortium.;Multiple lines of computational evidence support a deleterious effect on the gene or gene product (conservation, evolutionary, splicing impact, etc).;Missense variant in a gene that has a low rate of benign missense variation and where missense variants are a common mechanism of disease.;Assumed de novo, but without confirmation of paternity and maternity.;Patient's phenotype or family history is highly specific for a disease with a single genetic etiology.